The following is an entry in ClinVar:

ClinVar aggregate classification (germline): Pathogenic (1 of 4 stars; one submission).

Conditions:
Familial cancer of breast. Also called: BREAST CANCER, FAMILIAL; Hereditary breast cancer; hereditary breast carcinoma. Identifiers: Orphanet 227535, MedGen C0346153, MONDO:0016419, OMIM 114480. Disease mechanism: loss of function.

Submission:

Myriad Genetics, Inc.
Classification: Pathogenic for Familial cancer of breast. Last evaluated: 2024-02-02. Review status: criteria provided, single submitter. Criteria: Myriad Autosomal Dominant, Autosomal Recessive and X-Linked Classification Criteria (2023). Collection method: clinical testing. Allele origin: unknown.
Comment: This variant is considered pathogenic. This variant creates a frameshift predicted to result in premature protein truncation.

NM_000051.4(ATM):c.1914_1916delinsGG (p.Asp639fs)

Gene: ATM (ATM serine/threonine kinase; plus strand). Cytogenetic location: 11q22.3.
Variant type: Indel.
Coding change: c.1914_1916delinsGG on transcript NM_000051.4 (MANE Select); coding-DNA positions 1914 to 1916, AGA replaced by GG.
Protein change: p.Asp639fs; shifts the reading frame from aspartic acid 639.
Molecular consequence: frameshift variant.
Genome position (GRCh38, 1-based): chr11:108,253,829-108,253,831, AGA replaced by GG. VCF-style: chr11-108253829-AGA-GG. GRCh37 (hg19) VCF-style: chr11-108124556-AGA-GG.
Other names: c.1914_1916delinsGG, p.Asp639fs (NM_001351834.2); short protein forms D639fs.
Identifiers: ClinVar variation 3148694 (VCV003148694.1), dbSNP rs2497309309, ClinGen allele CA2825001771.
Genomic context (GRCh38, chr11:108,253,829, plus strand): 5'-CATTAGGTACTTGGTTTATATATTAAAGATCTTACTTTCTTGAAGTGAACACCACCAAAA[AGA>GG]TAAAGAAGAACTTTCATTCTCAGAAGTAGAAGAACTATTTCTTCAGACAACTTTTGACAA-3'